The following is an entry in ClinVar:

NM_005996.4(TBX3):c.2084A>T (p.Glu695Val)

Gene: TBX3 (T-box transcription factor 3; minus strand). Cytogenetic location: 12q24.21.
Variant type: single nucleotide variant.
Coding change: c.2084A>T on transcript NM_005996.4 (MANE Select); coding-DNA position 2084, A replaced by T.
Protein change: p.Glu695Val; replaces glutamic acid 695 with valine.
Molecular consequence: missense variant.
Genome position (GRCh38, 1-based): chr12:114,671,929, T>A on the plus strand (A>T on the coding strand, the complement: TBX3 is on the minus strand). VCF-style: chr12-114671929-T-A. GRCh37 (hg19) VCF-style: chr12-115109734-T-A.
Other names: c.2144A>T, p.Glu715Val (NM_016569.4); short protein forms E715V, E695V.
Identifiers: ClinVar variation 4990286 (VCV004990286.1).

ClinVar aggregate classification (germline): Uncertain significance (1 of 4 stars; one submission).

Conditions:
TBX3-related disorder. Also called: TBX3-related condition.

gnomAD v4.1: 2 of 1,590,312 alleles (0.00013%); highest among the groups gnomAD compares: Non-Finnish European, 0.00017%; no homozygotes.

Submission:

PreventionGenetics, part of Exact Sciences
Classification: Uncertain significance for TBX3-related condition. Last evaluated: 2025-10-28. Review status: criteria provided, single submitter. Criteria: ACMG Guidelines, 2015. Collection method: clinical testing. Allele origin: germline.
Comment: The TBX3 c.2144A>T variant is predicted to result in the amino acid substitution p.Glu715Val. To our knowledge, this variant has not been reported in the literature or in a large population database (gnomAD), indicating this variant is rare. At this time, the clinical significance of this variant is uncertain due to the absence of conclusive functional and genetic evidence.